The following is an entry in ClinVar:

ClinVar aggregate classification (germline): Likely pathogenic. Review status: criteria provided, multiple submitters, no conflicts (2 of 4 stars). 2 submissions from 2 submitters: Likely pathogenic (2). Last evaluated 2024-10-18.

Conditions:
Autosomal recessive limb-girdle muscular dystrophy type 2J (LGMDR10). Also called: Limb-girdle muscular dystrophy, type 2J; MUSCULAR DYSTROPHY, LIMB-GIRDLE, AUTOSOMAL RECESSIVE 10. Identifiers: Orphanet 140922, MedGen C1837342, MONDO:0012127, OMIM 608807.
Dilated cardiomyopathy 1G (CMD1G). Identifiers: Orphanet 154, MedGen C1858763, MONDO:0011400, OMIM 604145.

Submissions (2):

Labcorp Genetics (formerly Invitae), Labcorp
Classification: Likely pathogenic for Dilated cardiomyopathy 1G; Autosomal recessive limb-girdle muscular dystrophy type 2J. Last evaluated: 2024-10-18. Review status: criteria provided, single submitter. Criteria: Invitae Variant Classification Sherloc (09022015). Collection method: clinical testing. Allele origin: germline.
Comment: This sequence change creates a premature translational stop signal (p.Gln4656*) in the TTN gene. While this is not anticipated to result in nonsense mediated decay, it is expected to create a truncated TTN protein. This variant is not present in population databases (gnomAD no frequency). This variant has not been observed in the literature in individuals with autosomal recessive TTN-related conditions. This variant has been reported in individual(s) with autosomal dominant dilated cardiomyopathy (PMID: 34461741); however, the role of the variant in this condition is currently unclear. This variant is also known as 179603994:G>A. ClinVar contains an entry for this variant (Variation ID: 620266). This variant is located in the I band of TTN (PMID: 25589632). Truncating variants in this region have been reported in individuals affected with autosomal recessive centronuclear myopathy (PMID: 23975875, internal data). Truncating variants in this region have also been identified in individuals affected with autosomal dominant dilated cardiomyopathy and/or cardio-related conditions (PMID: 27869827, 32964742, internal data). In summary, the currently available evidence indicates that the variant is pathogenic, but additional data are needed to prove that conclusively. Therefore, this variant has been classified as Likely Pathogenic.

GeneDx
Classification: Likely pathogenic. Last evaluated: 2018-07-13. Review status: criteria provided, single submitter. Criteria: GeneDx Variant Classification (06012015). Collection method: clinical testing. Allele origin: germline. Affected: yes.
Comment: The Q4339X likely pathogenic variant in the TTN gene has not been reported as a pathogenic or benign to our knowledge. This variant is not observed in large population cohorts (Lek et al., 2016). The Q4339X variant is located in one of the constitutive exons in the proximal I-band region of the TTN gene and is predicted to cause loss of normal protein function either by protein truncation or nonsense-mediated mRNA decay. Recent studies have suggested that the truncating variants in the A-band (Herman et al., 2012) and in other constitutively expressed (percent spliced in PSI >95%) exons throughout the TTN gene are significantly associated with DCM (Deo et al., 2016; Schafer et al., 2017).

Literature cited by the submitters: PubMed 34461741 (cited by Labcorp Genetics (formerly Invitae), Labcorp); PubMed 25589632 (cited by Labcorp Genetics (formerly Invitae), Labcorp); PubMed 23975875 (cited by Labcorp Genetics (formerly Invitae), Labcorp); PubMed 27869827 (cited by Labcorp Genetics (formerly Invitae), Labcorp); PubMed 32964742 (cited by Labcorp Genetics (formerly Invitae), Labcorp).

NM_001267550.2(TTN):c.13966C>T (p.Gln4656Ter)

Gene: TTN (titin; minus strand). Cytogenetic location: 2q31.2.
Variant type: single nucleotide variant.
Coding change: c.13966C>T on transcript NM_001267550.2 (MANE Select); coding-DNA position 13966, C replaced by T.
Protein change: p.Gln4656Ter; replaces glutamine 4656 with a stop codon.
Molecular consequence: nonsense. On other transcripts: intron variant (1).
Genome position (GRCh38, 1-based): chr2:178,739,267, G>A on the plus strand (C>T on the coding strand, the complement: TTN is on the minus strand). VCF-style: chr2-178739267-G-A. GRCh37 (hg19) VCF-style: chr2-179603994-G-A.
Other names: c.13015C>T, p.Gln4339Ter (NM_001256850.1); c.12877C>T, p.Gln4293Ter (NM_003319.4); c.13252C>T, p.Gln4418Ter (NM_133432.3); c.13453C>T, p.Gln4485Ter (NM_133437.4); c.10361-907C>T (NM_133378.4); short protein forms Q4339*, Q4656*, Q4293*, Q4418*, Q4485*.
Identifiers: ClinVar variation 620266 (VCV000620266.6), dbSNP rs747289468, ClinGen allele CA349605455.